The following is an entry in ClinVar:

NM_000410.4(HFE):c.848A>C (p.Gln283Pro)

Gene: HFE (homeostatic iron regulator; plus strand). Cytogenetic location: 6p22.2.
Variant type: single nucleotide variant.
Coding change: c.848A>C on transcript NM_000410.4 (MANE Select); coding-DNA position 848, A replaced by C.
Protein change: p.Gln283Pro; replaces glutamine 283 with proline.
Molecular consequence: missense variant. On other transcripts: intron variant (1).
Genome position (GRCh38, 1-based): chr6:26,092,916, A>C. VCF-style: chr6-26092916-A-C. GRCh37 (hg19) VCF-style: chr6-26093144-A-C.
Other names: c.848A>C, p.Gln283Pro (NM_001300749.3, NM_001384164.1); c.839A>C, p.Gln280Pro (NM_001406751.1); c.584A>C, p.Gln195Pro (NM_001406752.1, NM_139007.3); c.530A>C, p.Gln177Pro (NM_139003.3); c.572A>C, p.Gln191Pro (NM_139004.3); c.806A>C, p.Gln269Pro (NM_139006.3); c.542A>C, p.Gln181Pro (NM_139008.3); c.779A>C, p.Gln260Pro (NM_139009.3); and 2 more; short protein forms Q283P, Q191P, Q269P, Q103P, Q177P, Q195P, Q260P, Q181P.
Identifiers: ClinVar variation 19 (VCV000000019.33), dbSNP rs111033563, ClinGen allele CA280949.

ClinVar aggregate classification (germline): Pathogenic/Likely pathogenic. Review status: criteria provided, multiple submitters, no conflicts (2 of 4 stars). 5 submissions from 5 submitters: Pathogenic (2); Likely pathogenic (2). 1 of the submissions does not count toward it. Last evaluated 2025-06-11.

Conditions:
Hereditary hemochromatosis (HFE). Identifiers: MedGen C0392514, MONDO:0006507. Disease mechanism: loss of function.
Hemochromatosis type 1 (HFE1). Also called: HFE-Related Hemochromatosis; HFE-Associated Hereditary Hemochromatosis. Identifiers: Orphanet 465508, MedGen C3469186, MONDO:0021001, OMIM 235200. Disease mechanism: loss of function.
Incidental Discovery. Identifiers: MedGen C1135954.

Allele frequency attached by ClinVar (database versions not stated): gnomAD exomes below 0.00001.
gnomAD v4.1: 6 of 1,614,162 alleles (0.00037%); highest among the groups gnomAD compares: Non-Finnish European, 0.00034%; no homozygotes.

Submissions (5):

Labcorp Genetics (formerly Invitae), Labcorp
Classification: Pathogenic for Hereditary hemochromatosis. Last evaluated: 2025-06-11. Review status: criteria provided, single submitter. Criteria: Invitae Variant Classification Sherloc (09022015). Collection method: clinical testing. Allele origin: germline.
Comment: This sequence change replaces glutamine, which is neutral and polar, with proline, which is neutral and non-polar, at codon 283 of the HFE protein (p.Gln283Pro). This variant is not present in population databases (gnomAD no frequency). This missense change has been observed in individual(s) with hereditary hemochromatosis (PMID: 12737937, 25850353). In at least one individual the data is consistent with being in trans (on the opposite chromosome) from a pathogenic variant. It has also been observed to segregate with disease in related individuals. ClinVar contains an entry for this variant (Variation ID: 19). Invitae Evidence Modeling of protein sequence and biophysical properties (such as structural, functional, and spatial information, amino acid conservation, physicochemical variation, residue mobility, and thermodynamic stability) indicates that this missense variant is expected to disrupt HFE protein function with a positive predictive value of 80%. Experimental studies have shown that this missense change affects HFE function (PMID: 15965644). For these reasons, this variant has been classified as Pathogenic.

Clinical Genetics Laboratory, Skane University Hospital Lund
Classification: Pathogenic for Incidental Discovery. Last evaluated: 2025-03-05. Review status: criteria provided, single submitter. Criteria: ACMG Guidelines, 2015. Collection method: clinical testing. Allele origin: germline. Inheritance: Autosomal recessive inheritance. Affected: no.
Comment: ACMG criteria used: PS3, PM3_Strong

CeGaT Center for Human Genetics Tuebingen
Classification: Likely pathogenic. Last evaluated: 2024-01-01. Review status: criteria provided, single submitter. Criteria: CeGaT Center For Human Genetics Tuebingen Variant Classification Criteria Version 2. Collection method: clinical testing. Allele origin: germline. Affected: yes. Observed: 1 variant allele.
Comment: HFE: PM3:Strong, PM2, PS3:Supporting, BP4

Women's Health and Genetics/Laboratory Corporation of America, LabCorp
Classification: Likely pathogenic for Hemochromatosis type 1. Last evaluated: 2023-07-03. Review status: criteria provided, single submitter. Criteria: LabCorp Variant Classification Summary - May 2015. Collection method: clinical testing. Allele origin: germline.
Comment: Variant summary: HFE c.848A>C (p.Gln283Pro) results in a non-conservative amino acid change located in the Immunoglobulin C1-set domain (IPR003597) of the encoded protein sequence. Four of five in-silico tools predict a damaging effect of the variant on protein function. The variant allele was found at a frequency of 4e-06 in 251294 control chromosomes. c.848A>C has been reported in the literature as a compound heterozygous genotype in individuals affected with Hemochromatosis Type 1 (example, LeGac_2003, van Gammeren_2015). At least one publication reports experimental evidence evaluating an impact on protein function. The most pronounced variant effect results in a highly reduced capacity of mutant HFE to reduce transferrin-mediated iron uptake and abolished ability to form complexes with beta2 microglobulin and Transferrin 1 (Ka_2005). The following publications have been ascertained in the context of this evaluation (PMID: 15965644, 12737937, 33791166, 25850353). One submitter has cited clinical-significance assessments for this variant to ClinVar after 2014 and has classified the variant as pathogenic. Based on the evidence outlined above, the variant was classified as likely pathogenic.

OMIM
Classification: Pathogenic for HEMOCHROMATOSIS, TYPE 1. Last evaluated: 2005-09-01. Review status: no assertion criteria provided. Collection method: literature only. Allele origin: germline. Not counted in ClinVar's aggregate classification.

Literature cited by the submitters: PubMed 12737937 (cited by Labcorp Genetics (formerly Invitae), Labcorp and Women's Health and Genetics/Laboratory Corporation of America, LabCorp); PubMed 25850353 (cited by Labcorp Genetics (formerly Invitae), Labcorp and Women's Health and Genetics/Laboratory Corporation of America, LabCorp); PubMed 15965644 (cited by 3 submitters); PubMed 33791166 (cited by Women's Health and Genetics/Laboratory Corporation of America, LabCorp); PubMed 9546397 (cited by OMIM).